The following is an entry in ClinVar:

NM_001127392.3(MYRF):c.789del (p.Ser264fs)

Gene: MYRF (myelin regulatory factor; plus strand). Cytogenetic location: 11q12.2.
Variant type: Deletion.
Coding change: c.789del on transcript NM_001127392.3 (MANE Select); coding-DNA position 789, one base deleted (C; older notation c.789delC).
Protein change: p.Ser264fs; shifts the reading frame from serine 264.
Molecular consequence: frameshift variant.
Genome position (GRCh38, 1-based): chr11:61,771,548, C deleted; the last of 8 consecutive C bases (chr11:61,771,541-61,771,548); deleting any one gives the same sequence. VCF-style (leftmost placement, unchanged base first): chr11-61771540-TC-T. GRCh37 (hg19) VCF-style: chr11-61539012-TC-T.
Other names: c.789delC (NM_001127392.2); c.789del (NM_001127392.2); c.762del, p.Ser255fs (NM_013279.4); short protein forms S255fs, S264fs.
Identifiers: ClinVar variation 1687467 (VCV001687467.7), dbSNP rs769274302, ClinGen allele CA6037648.

ClinVar aggregate classification (germline): Conflicting classifications of pathogenicity. Review status: criteria provided, conflicting classifications (1 of 4 stars). 5 submissions from 5 submitters: Pathogenic (4); Uncertain significance (1). Last evaluated 2024-09-16.

Conditions:
Cardiac-urogenital syndrome (CUGS). Also called: MYRF-Related Cardiac Urogenital Syndrome. Identifiers: Orphanet 647811, MedGen C4748946, MONDO:0032653, OMIM 618280.

Submissions (5):

GeneDx
Classification: Pathogenic. Last evaluated: 2024-09-16. Review status: criteria provided, single submitter. Criteria: GeneDx Variant Classification Process June 2021. Collection method: clinical testing. Allele origin: germline.
Comment: Frameshift variant predicted to result in protein truncation or nonsense mediated decay in a gene for which loss of function is a known mechanism of disease; Not observed at significant frequency in large population cohorts (gnomAD); This variant is associated with the following publications: (PMID: 31633846, 30985895, 31266062, 33646289, 36478645)

Laboratoire de Génétique Moléculaire, CHU Bordeaux
Classification: Pathogenic for Cardiac-urogenital syndrome. Last evaluated: 2024-04-26. Review status: criteria provided, single submitter. Criteria: ACMG Guidelines, 2015. Collection method: clinical testing. Allele origin: germline. Affected: yes.

Genomic Medicine Center of Excellence, King Faisal Specialist Hospital and Research Centre
Classification: Uncertain significance for Cardiac-urogenital syndrome. Last evaluated: 2024-03-29. Review status: criteria provided, single submitter. Criteria: ACMG Guidelines, 2015. Collection method: clinical testing. Allele origin: germline.

3billion
Classification: Pathogenic for Cardiac-urogenital syndrome. Last evaluated: 2022-05-22. Review status: criteria provided, single submitter. Criteria: ACMG Guidelines, 2015. Collection method: clinical testing. Allele origin: germline. Affected: yes. Observed: 1 heterozygote.
Comment: The variant is not observed in the gnomAD v2.1.1 dataset. Frameshift: predicted to result in a loss or disruption of normal protein function through nonsense-mediated decay (NMD) or protein truncation. Multiple pathogenic variants are reported downstream of the variant. The variant has been reported to be associated with MYRF- related disorder (PMID: 30985895). Therefore, this variant is classified as pathogenic according to the recommendation of ACMG/AMP guideline.

Victorian Clinical Genetics Services, Murdoch Childrens Research Institute
Classification: Pathogenic for Cardiac-urogenital syndrome. Last evaluated: 2022-02-02. Review status: criteria provided, single submitter. Criteria: ACMG Guidelines, 2015. Collection method: clinical testing. Allele origin: germline. Inheritance: Autosomal dominant inheritance. Affected: yes.
Comment: Based on the classification scheme VCGS_Germline_v1.3.4, this variant is classified as Pathogenic. Following criteria are met: 0102 - Loss of function is a known mechanism of disease in this gene and is associated with cardiac-urogenital syndrome (MIM#618280). (I) 0107 - This gene is associated with autosomal dominant disease. (I) 0115 - Variants in this gene are known to have variable expressivity. Variants in this gene have been associated with a range of phenotypes from syndromic presentations of congenital diaphragmatic hernia, congenital heart disease, and genitourinary abnormalities to isolated nanophthalmos. (I) 0201 - Variant is predicted to cause nonsense-mediated decay (NMD) and loss of protein (premature termination codon is located at least 54 nucleotides upstream of the final exon-exon junction). (SP) 0251 - This variant is heterozygous. (I) 0301 - Variant is absent from gnomAD (both v2 and v3). (SP) 0701 - Other NMD predicted variants comparable to the one identified in this case have very strong previous evidence for pathogenicity (ClinVar). (SP) 0801 - This variant has strong previous evidence of pathogenicity in unrelated individuals. This variant has been reported as de novo in an individual with nanophthalmos, in monozygotic twins with 46,XX disorders of sex development and in a fetus with coarctation of the aorta and pulmonary sequestration (PMID: 31266062, PMID: 30985895, PMID: 31633846). (SP) Legend: (SP) - Supporting pathogenic, (I) - Information, (SB) - Supporting benign

Literature cited by the submitters: PubMed 30985895 (cited by 3billion and Victorian Clinical Genetics Services, Murdoch Childrens Research Institute); PubMed 31266062 (cited by Victorian Clinical Genetics Services, Murdoch Childrens Research Institute); PubMed 31633846 (cited by Victorian Clinical Genetics Services, Murdoch Childrens Research Institute).